The following is an entry in ClinVar:

NM_001378615.1(CC2D2A):c.383C>T (p.Pro128Leu)

Genes: CC2D2A (coiled-coil and C2 domain containing 2A; plus strand), FBXL5 (F-box and leucine rich repeat protein 5; minus strand). Cytogenetic location: 4p15.32.
Variant type: single nucleotide variant.
Coding change: c.383C>T on transcript NM_001378615.1 (MANE Select); coding-DNA position 383, C replaced by T.
Protein change: p.Pro128Leu; replaces proline 128 with leucine.
Molecular consequence: missense variant.
Genome position (GRCh38, 1-based): chr4:15,502,868, C>T. VCF-style: chr4-15502868-C-T. GRCh37 (hg19) VCF-style: chr4-15504491-C-T.
Other names: c.383C>T, p.Pro128Leu (NM_001080522.2); c.236C>T, p.Pro79Leu (NM_001378617.1); short protein forms P79L, P128L.
Identifiers: ClinVar variation 1442237 (VCV001442237.32), dbSNP rs768439693, ClinGen allele CA2863396.

ClinVar aggregate classification (germline): Conflicting classifications of pathogenicity. Review status: criteria provided, conflicting classifications (1 of 4 stars). 2 submissions from 2 submitters: Uncertain significance (1); Likely benign (1). Last evaluated 2022-06-20.

Conditions:
Joubert syndrome. Also called: JOUBERT-BOLTSHAUSER SYNDROME; Familial aplasia of the vermis. Identifiers: Orphanet 475, MedGen C5979921, MONDO:0018772.
Meckel-Gruber syndrome. Also called: DYSENCEPHALIA SPLANCHNOCYSTICA; GRUBER SYNDROME; Dysencephalia splachnocystica. Identifiers: Orphanet 564, MedGen C0265215, MONDO:0018921.

Allele frequency attached by ClinVar (database versions not stated): ExAC 0.00001; gnomAD exomes 0.00001; TOPMed 0.00001.
gnomAD v4.1: 14 of 1,612,026 alleles (0.00087%); highest among the groups gnomAD compares: African/African-American, 0.0013%; no homozygotes.

Submissions (2):

Labcorp Genetics (formerly Invitae), Labcorp
Classification: Uncertain significance for Joubert syndrome; Meckel-Gruber syndrome. Last evaluated: 2022-06-20. Review status: criteria provided, single submitter. Criteria: Invitae Variant Classification Sherloc (09022015). Collection method: clinical testing. Allele origin: germline.
Comment: This sequence change replaces proline, which is neutral and non-polar, with leucine, which is neutral and non-polar, at codon 128 of the CC2D2A protein (p.Pro128Leu). This variant is present in population databases (rs768439693, gnomAD 0.007%). This variant has not been reported in the literature in individuals affected with CC2D2A-related conditions. Advanced modeling of protein sequence and biophysical properties (such as structural, functional, and spatial information, amino acid conservation, physicochemical variation, residue mobility, and thermodynamic stability) performed at Invitae indicates that this missense variant is not expected to disrupt CC2D2A protein function. In summary, the available evidence is currently insufficient to determine the role of this variant in disease. Therefore, it has been classified as a Variant of Uncertain Significance.

CeGaT Center for Human Genetics Tuebingen
Classification: Likely benign. Last evaluated: 2022-05-01. Review status: criteria provided, single submitter. Criteria: CeGaT Center For Human Genetics Tuebingen Variant Classification Criteria Version 2. Collection method: clinical testing. Allele origin: germline. Affected: yes. Observed: 1 variant allele.
Comment: CC2D2A: BP4